The following is an entry in ClinVar:

NM_000038.6(APC):c.7538C>G (p.Pro2513Arg)

Gene: APC (APC regulator of Wnt signaling pathway; plus strand). Cytogenetic location: 5q22.2.
Variant type: single nucleotide variant.
Coding change: c.7538C>G on transcript NM_000038.6 (MANE Select); coding-DNA position 7538, C replaced by G.
Protein change: p.Pro2513Arg; replaces proline 2513 with arginine.
Molecular consequence: missense variant. On other transcripts: non-coding transcript variant (2).
Genome position (GRCh38, 1-based): chr5:112,843,132, C>G. VCF-style: chr5-112843132-C-G. GRCh37 (hg19) VCF-style: chr5-112178829-C-G.
Other names: c.7538C>G, p.Pro2513Arg (NM_001127510.3, NM_001354895.2, NM_001407450.1); c.7484C>G, p.Pro2495Arg (NM_001127511.3); c.7592C>G, p.Pro2531Arg (NM_001354896.2, NM_001407447.1, NM_001407448.1 and 1 more transcripts); c.7568C>G, p.Pro2523Arg (NM_001354897.2); c.7463C>G, p.Pro2488Arg (NM_001354898.2); c.7454C>G, p.Pro2485Arg (NM_001354899.2); c.7415C>G, p.Pro2472Arg (NM_001354900.2); c.7361C>G, p.Pro2454Arg (NM_001354901.2, NM_001407453.1); and 11 more; short protein forms P2129R, P2230R, P2412R, P2488R, P2506R, P2513R, P2541R, P2422R.
Identifiers: ClinVar variation 2566948 (VCV002566948.3), dbSNP rs1766505425, ClinGen allele CA16037718.

ClinVar aggregate classification (germline): Uncertain significance (1 of 4 stars; one submission).

Conditions:
Hereditary cancer-predisposing syndrome. Also called: Neoplastic Syndromes, Hereditary; Tumor predisposition; Hereditary Cancer Syndrome; Hereditary neoplastic syndrome. Identifiers: Orphanet 140162, MedGen C0027672, MeSH D009386, MONDO:0015356.

Submission:

Ambry Genetics
Classification: Uncertain significance for Hereditary cancer-predisposing syndrome. Last evaluated: 2026-05-19. Review status: criteria provided, single submitter. Criteria: Ambry Variant Classification Scheme 2023. Collection method: clinical testing. Allele origin: germline.
Comment: The p.P2513R variant (also known as c.7538C>G), located in coding exon 15 of the APC gene, results from a C to G substitution at nucleotide position 7538. The proline at codon 2513 is replaced by arginine, an amino acid with dissimilar properties. This amino acid position is well conserved in available vertebrate species. In addition, in silico predictors for this gene do not accurately predict pathogenicity. Missense variants in APC are not a common cause of disease (Spier I et al. Genet Med. 2024 Feb;26(2):100992). Based on the available evidence, the clinical significance of this variant remains unclear.